The following is an entry in ClinVar:

NM_001079802.2(FKTN):c.822G>T (p.Arg274=)

Gene: FKTN (fukutin; plus strand). Cytogenetic location: 9q31.2.
Variant type: single nucleotide variant.
Coding change: c.822G>T on transcript NM_001079802.2 (MANE Select); coding-DNA position 822, G replaced by T.
Protein change: p.Arg274=; no amino-acid change (arginine 274 retained).
Molecular consequence: synonymous variant. On other transcripts: non-coding transcript variant (1).
Genome position (GRCh38, 1-based): chr9:105,615,319, G>T. VCF-style: chr9-105615319-G-T. GRCh37 (hg19) VCF-style: chr9-108377600-G-T.
Other names: c.822G>T, p.Arg274= (NM_001198963.2, NM_001351496.2, NM_001351498.2 and 1 more transcripts); c.753G>T, p.Arg251= (NM_001351497.2); c.426G>T, p.Arg142= (NM_001351499.2, NM_001351500.2, NM_001351501.2 and 1 more transcripts).
Identifiers: ClinVar variation 459224 (VCV000459224.10), dbSNP rs997235832, ClinGen allele CA197447945.

ClinVar aggregate classification (germline): Conflicting classifications of pathogenicity. Review status: criteria provided, conflicting classifications (1 of 4 stars). 3 submissions from 3 submitters: Uncertain significance (1); Likely benign (1). 1 of the submissions does not count toward it. Last evaluated 2021-08-31.

Conditions:
Cardiovascular phenotype. Identifiers: MedGen CN230736.
Walker-Warburg congenital muscular dystrophy. Also called: Muscular dystrophy-dystroglycanopathy, type A; Walker-Warburg syndrome. Identifiers: Orphanet 899, MedGen C0265221, MONDO:0000171.

Allele frequency attached by ClinVar (database versions not stated): gnomAD exomes below 0.00001 and 0.00001; TOPMed 0.00002; gnomAD 0.00005.
gnomAD v4.1: 24 of 1,613,818 alleles (0.0015%); highest among the groups gnomAD compares: Non-Finnish European, 0.0019%; no homozygotes.

Submissions (3):

Labcorp Genetics (formerly Invitae), Labcorp
Classification: Uncertain significance for Walker-Warburg congenital muscular dystrophy. Last evaluated: 2021-08-31. Review status: criteria provided, single submitter. Criteria: Invitae Variant Classification Sherloc (09022015). Collection method: clinical testing. Allele origin: germline.
Comment: This sequence change affects codon 274 of the FKTN mRNA. It is a 'silent' change, meaning that it does not change the encoded amino acid sequence of the FKTN protein. This variant is not present in population databases (ExAC no frequency). This variant has not been reported in the literature in individuals affected with FKTN-related conditions. Algorithms developed to predict the effect of sequence changes on RNA splicing suggest that this variant may create or strengthen a splice site. In summary, the available evidence is currently insufficient to determine the role of this variant in disease. Therefore, it has been classified as a Variant of Uncertain Significance.

Ambry Genetics
Classification: Likely benign for Cardiovascular phenotype. Last evaluated: 2020-01-21. Review status: criteria provided, single submitter. Criteria: Ambry Variant Classification Scheme 2023. Collection method: clinical testing. Allele origin: germline.

Natera, Inc.
Classification: Uncertain significance for Walker-Warburg congenital muscular dystrophy. Last evaluated: 2020-02-17. Review status: no assertion criteria provided. Collection method: clinical testing. Allele origin: germline. Not counted in ClinVar's aggregate classification.